The following is an entry in ClinVar:

NM_000051.4(ATM):c.340A>G (p.Arg114Gly)

Gene: ATM (ATM serine/threonine kinase; plus strand). Cytogenetic location: 11q22.3.
Variant type: single nucleotide variant.
Coding change: c.340A>G on transcript NM_000051.4 (MANE Select); coding-DNA position 340, A replaced by G.
Protein change: p.Arg114Gly; replaces arginine 114 with glycine.
Molecular consequence: missense variant.
Genome position (GRCh38, 1-based): chr11:108,235,678, A>G. VCF-style: chr11-108235678-A-G. GRCh37 (hg19) VCF-style: chr11-108106405-A-G.
Other names: c.340A>G, p.Arg114Gly (NM_001351834.2); c.340A>G (NM_000051.3); short protein forms R114G.
Identifiers: ClinVar variation 1045081 (VCV001045081.10), dbSNP rs927409082, ClinGen allele CA382524463.

ClinVar aggregate classification (germline): Uncertain significance. Review status: criteria provided, multiple submitters, no conflicts (2 of 4 stars). 2 submissions from 2 submitters: Uncertain significance (2). Last evaluated 2025-10-24.

Conditions:
Ataxia-telangiectasia syndrome (AT). Also called: ATAXIA-TELANGIECTASIA, COMPLEMENTATION GROUP A; ATAXIA-TELANGIECTASIA, FRESNO VARIANT; Ataxia-telangiectasia, complementation group D; AT, COMPLEMENTATION GROUP C; Cerebello-oculocutaneous telangiectasia; Immunodeficiency with ataxia telangiectasia. Identifiers: Orphanet 100, MedGen C0004135, MONDO:0008840, OMIM 208900.
Hereditary cancer-predisposing syndrome. Also called: Hereditary neoplastic syndrome; Neoplastic Syndromes, Hereditary; Tumor predisposition; Hereditary Cancer Syndrome. Identifiers: Orphanet 140162, MedGen C0027672, MeSH D009386, MONDO:0015356.

Submissions (2):

Labcorp Genetics (formerly Invitae), Labcorp
Classification: Uncertain significance for Ataxia-telangiectasia syndrome. Last evaluated: 2025-10-24. Review status: criteria provided, single submitter. Criteria: Invitae Variant Classification Sherloc (09022015). Collection method: clinical testing. Allele origin: germline.
Comment: This sequence change replaces arginine, which is basic and polar, with glycine, which is neutral and non-polar, at codon 114 of the ATM protein (p.Arg114Gly). This variant is not present in population databases (gnomAD no frequency). This variant has not been reported in the literature in individuals affected with ATM-related conditions. ClinVar contains an entry for this variant (Variation ID: 1045081). Invitae Evidence Modeling of protein sequence and biophysical properties (such as structural, functional, and spatial information, amino acid conservation, physicochemical variation, residue mobility, and thermodynamic stability) indicates that this missense variant is not expected to disrupt ATM protein function with a negative predictive value of 95%. In summary, the available evidence is currently insufficient to determine the role of this variant in disease. Therefore, it has been classified as a Variant of Uncertain Significance.

Ambry Genetics
Classification: Uncertain significance for Hereditary cancer-predisposing syndrome. Last evaluated: 2023-09-13. Review status: criteria provided, single submitter. Criteria: Ambry Variant Classification Scheme 2023. Collection method: clinical testing. Allele origin: germline.
Comment: The p.R114G variant (also known as c.340A>G), located in coding exon 4 of the ATM gene, results from an A to G substitution at nucleotide position 340. The arginine at codon 114 is replaced by glycine, an amino acid with dissimilar properties. This amino acid position is highly conserved in available vertebrate species. In addition, this alteration is predicted to be deleterious by in silico analysis. Since supporting evidence is limited at this time, the clinical significance of this alteration remains unclear.